The following is an entry in ClinVar:

NM_004304.5(ALK):c.3310T>C (p.Ser1104Pro)

Gene: ALK (ALK receptor tyrosine kinase; minus strand). Cytogenetic location: 2p23.2.
Variant type: single nucleotide variant.
Coding change: c.3310T>C on transcript NM_004304.5 (MANE Select); coding-DNA position 3310, T replaced by C.
Protein change: p.Ser1104Pro; replaces serine 1104 with proline.
Molecular consequence: missense variant.
Genome position (GRCh38, 1-based): chr2:29,223,391, A>G on the plus strand (T>C on the coding strand, the complement: ALK is on the minus strand). VCF-style: chr2-29223391-A-G. GRCh37 (hg19) VCF-style: chr2-29446257-A-G.
Other names: c.106T>C, p.Ser36Pro (NM_001353765.2); short protein forms S36P, S1104P.
Identifiers: ClinVar variation 2169406 (VCV002169406.4), dbSNP rs759935726, ClinGen allele CA346464772.

ClinVar aggregate classification (germline): Uncertain significance (1 of 4 stars; one submission).

Conditions:
Neuroblastoma, susceptibility to, 3. Also called: ALK-Related Neuroblastic Tumor Susceptibility. Identifiers: Orphanet 635, MedGen C2751681, MONDO:0013083, OMIM 613014.

Submission:

Labcorp Genetics (formerly Invitae), Labcorp
Classification: Uncertain significance for Neuroblastoma, susceptibility to, 3. Last evaluated: 2024-04-30. Review status: criteria provided, single submitter. Criteria: Invitae Variant Classification Sherloc (09022015). Collection method: clinical testing. Allele origin: germline.
Comment: This sequence change replaces serine, which is neutral and polar, with proline, which is neutral and non-polar, at codon 1104 of the ALK protein (p.Ser1104Pro). This variant is not present in population databases (gnomAD no frequency). This variant has not been reported in the literature in individuals affected with ALK-related conditions. ClinVar contains an entry for this variant (Variation ID: 2169406). An algorithm developed to predict the effect of missense changes on protein structure and function (PolyPhen-2) suggests that this variant is likely to be tolerated. In summary, the available evidence is currently insufficient to determine the role of this variant in disease. Therefore, it has been classified as a Variant of Uncertain Significance.